The following is an entry in ClinVar:

ClinVar aggregate classification (germline): Likely benign (1 of 4 stars; one submission).

Allele frequency attached by ClinVar (database versions not stated): gnomAD exomes below 0.00001.
gnomAD v4.1: 2 of 1,613,960 alleles (0.00012%); highest among the groups gnomAD compares: Non-Finnish European, 0.000085%; no homozygotes.

Submission:

CeGaT Center for Human Genetics Tuebingen
Classification: Likely benign. Last evaluated: 2024-03-01. Review status: criteria provided, single submitter. Criteria: CeGaT Center For Human Genetics Tuebingen Variant Classification Criteria Version 2. Collection method: clinical testing. Allele origin: germline. Affected: yes. Observed: 1 variant allele.
Comment: ANK1: BP4, BP7

NM_000037.4(ANK1):c.3909T>C (p.Pro1303=)

Gene: ANK1 (ankyrin 1; minus strand). Cytogenetic location: 8p11.21.
Variant type: single nucleotide variant.
Coding change: c.3909T>C on transcript NM_000037.4 (MANE Select); coding-DNA position 3909, T replaced by C.
Protein change: p.Pro1303=; no amino-acid change (proline 1303 retained).
Molecular consequence: synonymous variant.
Genome position (GRCh38, 1-based): chr8:41,690,549, A>G on the plus strand (T>C on the coding strand, the complement: ANK1 is on the minus strand). VCF-style: chr8-41690549-A-G. GRCh37 (hg19) VCF-style: chr8-41548067-A-G.
Other names: c.4032T>C, p.Pro1344= (NM_001142446.2); c.3909T>C, p.Pro1303= (NM_020475.3, NM_020476.3, NM_020477.3).
Identifiers: ClinVar variation 3067715 (VCV003067715.21), dbSNP rs1365679497, ClinGen allele CA460543343.